The following is an entry in ClinVar:

NM_198537.4(YJEFN3):c.703G>C (p.Ala235Pro)

Gene: YJEFN3 (YjeF N-terminal domain containing 3; plus strand). Cytogenetic location: 19p13.11.
Variant type: single nucleotide variant.
Coding change: c.703G>C on transcript NM_198537.4 (MANE Select); coding-DNA position 703, G replaced by C.
Protein change: p.Ala235Pro; replaces alanine 235 with proline.
Molecular consequence: missense variant.
Genome position (GRCh38, 1-based): chr19:19,537,327, G>C. VCF-style: chr19-19537327-G-C. GRCh37 (hg19) VCF-style: chr19-19648136-G-C.
Other names: c.553G>C, p.Ala185Pro (NM_001190328.2); short protein forms A185P, A235P.
Identifiers: ClinVar variation 2341066 (VCV002341066.26), dbSNP rs370349413, ClinGen allele CA9328182.

ClinVar aggregate classification (germline): Conflicting classifications of pathogenicity. Review status: criteria provided, conflicting classifications (1 of 4 stars). 2 submissions from 2 submitters: Uncertain significance (1); Likely benign (1). Last evaluated 2023-03-01.

Allele frequency attached by ClinVar (database versions not stated): 1000 Genomes Project 0.00040; 1000 Genomes Project 30x 0.00078.
gnomAD v4.1: 483 of 1,591,804 alleles (0.03%); highest among the groups gnomAD compares: Admixed American, 0.11%; 1 homozygote.

Submissions (2):

CeGaT Center for Human Genetics Tuebingen
Classification: Likely benign. Last evaluated: 2023-03-01. Review status: criteria provided, single submitter. Criteria: CeGaT Center For Human Genetics Tuebingen Variant Classification Criteria Version 2. Collection method: clinical testing. Allele origin: germline. Affected: yes. Observed: 1 variant allele.
Comment: YJEFN3: BP4

Ambry Genetics
Classification: Uncertain significance. Last evaluated: 2021-06-11. Review status: criteria provided, single submitter. Criteria: Ambry Variant Classification Scheme 2023. Collection method: clinical testing. Allele origin: germline.